The following is an entry in ClinVar:

ClinVar aggregate classification (germline): Uncertain significance. Review status: criteria provided, multiple submitters, no conflicts (2 of 4 stars). 2 submissions from 2 submitters: Uncertain significance (2). Last evaluated 2026-03-17.

Conditions:
LMX1A-related disorder. Also called: LMX1A-related condition.

gnomAD v4.1: 3 of 1,614,108 alleles (0.00019%); highest among the groups gnomAD compares: Admixed American, 0.005%; no homozygotes.

Submissions (2):

PreventionGenetics, part of Exact Sciences
Classification: Uncertain significance for LMX1A-related condition. Last evaluated: 2026-03-17. Review status: criteria provided, single submitter. Criteria: ACMG Guidelines, 2015. Collection method: clinical testing. Allele origin: germline.
Comment: The LMX1A c.1129A>G variant is predicted to result in the amino acid substitution p.Asn377Asp. To our knowledge, this variant has not been reported in the literature. This variant is reported in 0.0087% of alleles in individuals of Latino descent in gnomAD. At this time, the clinical significance of this variant is uncertain due to the absence of conclusive functional and genetic evidence.

Blueprint Genetics
Classification: Uncertain significance. Last evaluated: 2021-10-18. Review status: criteria provided, single submitter. Criteria: ACMG Guidelines, 2015. Collection method: clinical testing. Allele origin: germline.

NM_177398.4(LMX1A):c.1129A>G (p.Asn377Asp)

Gene: LMX1A (LIM homeobox transcription factor 1 alpha; minus strand). Cytogenetic location: 1q23.3.
Variant type: single nucleotide variant.
Coding change: c.1129A>G on transcript NM_177398.4 (MANE Select); coding-DNA position 1129, A replaced by G.
Protein change: p.Asn377Asp; replaces asparagine 377 with aspartic acid.
Molecular consequence: missense variant.
Genome position (GRCh38, 1-based): chr1:165,203,900, T>C on the plus strand (A>G on the coding strand, the complement: LMX1A is on the minus strand). VCF-style: chr1-165203900-T-C. GRCh37 (hg19) VCF-style: chr1-165173137-T-C.
Other names: c.1129A>G, p.Asn377Asp (NM_001174069.2); c.1129A>G (NM_001174069.1); short protein forms N377D.
Identifiers: ClinVar variation 4920217 (VCV004920217.2).